The following is an entry in ClinVar:

NM_000153.4(GALC):c.621+772G>C

Gene: GALC (galactosylceramidase; minus strand). Cytogenetic location: 14q31.3.
Variant type: single nucleotide variant.
Coding change: c.621+772G>C on transcript NM_000153.4 (MANE Select); 772 bases into the intron after coding-DNA position 621, G replaced by C.
Molecular consequence: intron variant. On other transcripts: 5 prime UTR variant (2).
Genome position (GRCh38, 1-based): chr14:87,981,433, C>G on the plus strand (G>C on the coding strand, the complement: GALC is on the minus strand). VCF-style: chr14-87981433-C-G. GRCh37 (hg19) VCF-style: chr14-88447777-C-G.
Other names: c.543+772G>C (NM_001201402.2); c.552+772G>C (NM_001201401.2); c.273+772G>C (NM_001424075.1, NM_001424074.1); c.453+772G>C (NM_001424072.1, NM_001424073.1, NM_001424071.1); c.-32G>C (NM_001424076.1, NM_001424077.1).
Identifiers: ClinVar variation 4526655 (VCV004526655.1).

ClinVar aggregate classification (germline): Likely pathogenic (1 of 4 stars; one submission).

Conditions:
Galactosylceramide beta-galactosidase deficiency. Also called: GALACTOCEREBROSIDASE DEFICIENCY; GALC DEFICIENCY; GLOBOID CELL LEUKOENCEPHALOPATHY; Leukodystrophy, Globoid Cell; Krabbe Disease. Identifiers: Orphanet 487, MedGen C0023521, MONDO:0009499, OMIM 245200.

Submission:

Genetics Department, Hospital Ramon y Cajal-IRYCIS
Classification: Likely pathogenic for Galactosylceramide beta-galactosidase deficiency. Last evaluated: 2025-10-31. Review status: criteria provided, single submitter. Criteria: ACMG Guidelines, 2015. Collection method: research, in vitro. Allele origin: paternal, not applicable. Affected: yes. Observed: 2 variant alleles. Functional consequence: included pseudoexon, frameshift variant NMD triggering.
Comment: ACMG criteria PS3, PM2, PM4, and PP4. For PS3, we performed splicing assays and enzyme activity assays on DBS. For PM4, our splicing assays showed insertion of a 34-bp pseudoexon.